The following is an entry in ClinVar:

NM_001199799.2(ILDR1):c.1498C>T (p.His500Tyr)

Gene: ILDR1 (immunoglobulin like domain containing receptor 1; minus strand). Cytogenetic location: 3q13.33.
Variant type: single nucleotide variant.
Coding change: c.1498C>T on transcript NM_001199799.2 (MANE Select); coding-DNA position 1498, C replaced by T.
Protein change: p.His500Tyr; replaces histidine 500 with tyrosine.
Molecular consequence: missense variant.
Genome position (GRCh38, 1-based): chr3:121,993,251, G>A on the plus strand (C>T on the coding strand, the complement: ILDR1 is on the minus strand). VCF-style: chr3-121993251-G-A. GRCh37 (hg19) VCF-style: chr3-121712098-G-A.
Other names: c.1231C>T, p.His411Tyr (NM_001199800.2); c.1366C>T, p.His456Tyr (NM_175924.4); short protein forms H500Y, H411Y, H456Y.
Identifiers: ClinVar variation 44140 (VCV000044140.15), dbSNP rs34284625, ClinGen allele CA133657.

ClinVar aggregate classification (germline): Benign. Review status: criteria provided, multiple submitters, no conflicts (2 of 4 stars). 7 submissions from 7 submitters: Benign (7). Last evaluated 2026-01-24.

Allele frequency attached by ClinVar (database versions not stated): gnomAD 0.03976 and 0.03701; 1000 Genomes Project 0.04014; ESP Exome Variant Server 0.04062; TOPMed 0.04203; 1000 Genomes Project 30x 0.04216; gnomAD exomes 0.00397 and 0.00987; ExAC 0.01178.
gnomAD v4.1: 11,718 of 1,613,562 alleles (0.73%); highest among the groups gnomAD compares: African/African-American, 13%; 673 homozygotes.

Submissions (7):

Labcorp Genetics (formerly Invitae), Labcorp
Classification: Benign. Last evaluated: 2026-01-24. Review status: criteria provided, single submitter. Criteria: Invitae Variant Classification Sherloc (09022015). Collection method: clinical testing. Allele origin: germline.

Mayo Clinic Laboratories, Mayo Clinic
Classification: Benign. Last evaluated: 2020-10-02. Review status: criteria provided, single submitter. Criteria: ACMG Guidelines, 2015. Collection method: clinical testing. Allele origin: germline. Observed: 6 variant alleles.

Athena Diagnostics
Classification: Benign. Last evaluated: 2018-05-23. Review status: criteria provided, single submitter. Criteria: Athena Diagnostics Criteria. Collection method: clinical testing. Allele origin: germline.

GeneDx
Classification: Benign. Last evaluated: 2017-11-15. Review status: criteria provided, single submitter. Criteria: GeneDx Variant Classification (06012015). Collection method: clinical testing. Allele origin: germline. Affected: yes.
Comment: This variant is considered likely benign or benign based on one or more of the following criteria: it is a conservative change, it occurs at a poorly conserved position in the protein, it is predicted to be benign by multiple in silico algorithms, and/or has population frequency not consistent with disease.

Laboratory for Molecular Medicine, Mass General Brigham Personalized Medicine
Classification: Benign. Last evaluated: 2012-05-07. Review status: criteria provided, single submitter. Criteria: LMM Criteria. Collection method: clinical testing. Allele origin: germline. Observed: 54 variant alleles.
Comment: His500Tyr in Exon 07 of ILDR1: This variant is not expected to have clinical sig nificance because it has been identified in 12.1% (450/3734) of African American chromosomes from a broad population by the NHLBI Exome Sequencing Project (dbSNP rs34284625).

Breakthrough Genomics
Classification: Benign. Review status: criteria provided, single submitter. Criteria: ACMG Guidelines, 2015. Collection method: not provided. Allele origin: germline. Inheritance: Autosomal recessive inheritance. Affected: yes.

PreventionGenetics, part of Exact Sciences
Classification: Benign. Review status: criteria provided, single submitter. Criteria: ACMG Guidelines, 2015. Collection method: clinical testing. Allele origin: germline.